The following is an entry in ClinVar:

ClinVar aggregate classification (germline): Uncertain significance. Review status: criteria provided, multiple submitters, no conflicts (2 of 4 stars). 2 submissions from 2 submitters: Uncertain significance (2). Last evaluated 2025-09-15.

Submissions (2):

Labcorp Genetics (formerly Invitae), Labcorp
Classification: Uncertain significance. Last evaluated: 2025-09-15. Review status: criteria provided, single submitter. Criteria: Invitae Variant Classification Sherloc (09022015). Collection method: clinical testing. Allele origin: germline.
Comment: This sequence change creates a premature translational stop signal (p.Ser855Profs*52) in the CACNA1E gene. It is expected to result in an absent or disrupted protein product. However, the current clinical and genetic evidence is not sufficient to establish whether loss-of-function variants in CACNA1E cause disease. This variant is not present in population databases (gnomAD no frequency). This variant has not been reported in the literature in individuals affected with CACNA1E-related conditions. ClinVar contains an entry for this variant (Variation ID: 3363249). In summary, the available evidence is currently insufficient to determine the role of this variant in disease. Therefore, it has been classified as a Variant of Uncertain Significance.

GeneDx
Classification: Uncertain significance. Last evaluated: 2023-10-26. Review status: criteria provided, single submitter. Criteria: GeneDx Variant Classification Process June 2021. Collection method: clinical testing. Allele origin: germline. Affected: yes.
Comment: Frameshift variant predicted to result in protein truncation or nonsense mediated decay in a gene or region of a gene for which loss of function is not a well-established mechanism of disease; Not observed at significant frequency in large population cohorts (gnomAD); Has not been previously published as pathogenic or benign to our knowledge

NM_001205293.3(CACNA1E):c.2562del (p.Ser855fs)

Gene: CACNA1E (calcium voltage-gated channel subunit alpha1 E; plus strand). Cytogenetic location: 1q25.3.
Variant type: Deletion.
Coding change: c.2562del on transcript NM_001205293.3 (MANE Select); coding-DNA position 2562, one base deleted (G; older notation c.2562delG).
Protein change: p.Ser855fs; shifts the reading frame from serine 855.
Molecular consequence: frameshift variant.
Genome position (GRCh38, 1-based): chr1:181,732,648, G deleted; the last of 6 consecutive G bases (chr1:181,732,643-181,732,648); deleting any one gives the same sequence. VCF-style (leftmost placement, unchanged base first): chr1-181732642-TG-T. GRCh37 (hg19) VCF-style: chr1-181701778-TG-T.
Other names: c.2562del, p.Ser855fs (NM_000721.4); c.2505del, p.Ser836fs (NM_001205294.2); short protein forms S836fs, S855fs.
Identifiers: ClinVar variation 3363249 (VCV003363249.2).
Genomic context (GRCh38, chr1:181,732,642, plus strand): 5'-CATTGAGGGCCTGGCCCTGGGCCTGGCCCTGGAGAAGTTCGAGGAGGAGCGCATCAGCCG[TG>T]GGGGGTCCCTCAAGGGGGATGGAGGGGACCGATCCAGTGCCCTGGACAACCAGAGGACCC-3'